The following is an entry in ClinVar:

ClinVar aggregate classification (germline): Uncertain significance. Review status: criteria provided, multiple submitters, no conflicts (2 of 4 stars). 2 submissions from 2 submitters: Uncertain significance (2). Last evaluated 2025-10-25.

Conditions:
Arrhythmogenic right ventricular dysplasia 13. Also called: Arrhythmogenic right ventricular dysplasia, familial, 13; ARRHYTHMOGENIC RIGHT VENTRICULAR CARDIOMYOPATHY 13. Identifiers: MedGen C3810138, MONDO:0000908, OMIM 615616.

Allele frequency attached by ClinVar (database versions not stated): gnomAD 0.00001; gnomAD exomes 0.00001; TOPMed 0.00001; ExAC 0.00002.
gnomAD v4.1: 23 of 1,613,940 alleles (0.0014%); highest among the groups gnomAD compares: Non-Finnish European, 0.0018%; no homozygotes.

Submissions (2):

Ambry Genetics
Classification: Uncertain significance. Last evaluated: 2025-10-25. Review status: criteria provided, single submitter. Criteria: Ambry Variant Classification Scheme 2023. Collection method: clinical testing. Allele origin: germline.
Comment: The p.Q652R variant (also known as c.1955A>G), located in coding exon 13 of the CTNNA3 gene, results from an A to G substitution at nucleotide position 1955. The glutamine at codon 652 is replaced by arginine, an amino acid with highly similar properties. This amino acid position is conserved. In addition, this alteration is predicted to be tolerated by in silico analysis. Since supporting evidence is limited at this time, the clinical significance of this alteration remains unclear.

Labcorp Genetics (formerly Invitae), Labcorp
Classification: Uncertain significance for Arrhythmogenic right ventricular dysplasia 13. Last evaluated: 2025-07-21. Review status: criteria provided, single submitter. Criteria: Invitae Variant Classification Sherloc (09022015). Collection method: clinical testing. Allele origin: germline.
Comment: This sequence change replaces glutamine, which is neutral and polar, with arginine, which is basic and polar, at codon 652 of the CTNNA3 protein (p.Gln652Arg). This variant is present in population databases (rs768222263, gnomAD 0.002%). This variant has not been reported in the literature in individuals affected with CTNNA3-related conditions. ClinVar contains an entry for this variant (Variation ID: 1483013). Invitae Evidence Modeling of protein sequence and biophysical properties (such as structural, functional, and spatial information, amino acid conservation, physicochemical variation, residue mobility, and thermodynamic stability) indicates that this missense variant is not expected to disrupt CTNNA3 protein function with a negative predictive value of 80%. In summary, the available evidence is currently insufficient to determine the role of this variant in disease. Therefore, it has been classified as a Variant of Uncertain Significance.

NM_013266.4(CTNNA3):c.1955A>G (p.Gln652Arg)

Genes: CTNNA3 (catenin alpha 3; minus strand), CTNNA3-AS1 (CTNNA3 antisense RNA 1; plus strand). Cytogenetic location: 10q21.3.
Variant type: single nucleotide variant.
Coding change: c.1955A>G on transcript NM_013266.4 (MANE Select); coding-DNA position 1955, A replaced by G.
Protein change: p.Gln652Arg; replaces glutamine 652 with arginine.
Molecular consequence: missense variant.
Genome position (GRCh38, 1-based): chr10:66,103,179, T>C on the plus strand (A>G on the coding strand, the complement: CTNNA3 is on the minus strand). VCF-style: chr10-66103179-T-C. GRCh37 (hg19) VCF-style: chr10-67862937-T-C.
Other names: c.1955A>G (NM_013266.2); c.1955A>G, p.Gln652Arg (NM_001127384.3); short protein forms Q652R.
Identifiers: ClinVar variation 1483013 (VCV001483013.11), dbSNP rs768222263, ClinGen allele CA5519750.